The following is an entry in ClinVar:

NM_182914.3(SYNE2):c.14381A>G (p.Gln4794Arg)

Gene: SYNE2 (spectrin repeat containing nuclear envelope protein 2; plus strand). Cytogenetic location: 14q23.2.
Variant type: single nucleotide variant.
Coding change: c.14381A>G on transcript NM_182914.3 (MANE Select); coding-DNA position 14381, A replaced by G.
Protein change: p.Gln4794Arg; replaces glutamine 4794 with arginine.
Molecular consequence: missense variant.
Genome position (GRCh38, 1-based): chr14:64,132,305, A>G. VCF-style: chr14-64132305-A-G. GRCh37 (hg19) VCF-style: chr14-64599023-A-G.
Other names: c.14381A>G, p.Gln4794Arg (NM_015180.6); short protein forms Q4794R.
Identifiers: ClinVar variation 2199742 (VCV002199742.4), dbSNP rs766438736, ClinGen allele CA7222773.

ClinVar aggregate classification (germline): Uncertain significance (1 of 4 stars; one submission).

Conditions:
Emery-Dreifuss muscular dystrophy 5, autosomal dominant (EDMD5). Also called: EMERY-DREIFUSS MUSCULAR DYSTROPHY 5. Identifiers: Orphanet 261, MedGen C2751805, MONDO:0013072, OMIM 612999.

Allele frequency attached by ClinVar (database versions not stated): TOPMed below 0.00001; ExAC 0.00001; gnomAD exomes 0.00001.
gnomAD v4.1: 9 of 1,614,052 alleles (0.00056%); highest among the groups gnomAD compares: South Asian, 0.0011%; no homozygotes.

Submission:

Labcorp Genetics (formerly Invitae), Labcorp
Classification: Uncertain significance for Emery-Dreifuss muscular dystrophy 5, autosomal dominant. Last evaluated: 2022-03-05. Review status: criteria provided, single submitter. Criteria: Invitae Variant Classification Sherloc (09022015). Collection method: clinical testing. Allele origin: germline.
Comment: This sequence change replaces glutamine, which is neutral and polar, with arginine, which is basic and polar, at codon 4794 of the SYNE2 protein (p.Gln4794Arg). This variant is present in population databases (rs766438736, gnomAD 0.003%). This variant has not been reported in the literature in individuals affected with SYNE2-related conditions. Algorithms developed to predict the effect of missense changes on protein structure and function (SIFT, PolyPhen-2, Align-GVGD) all suggest that this variant is likely to be tolerated. In summary, the available evidence is currently insufficient to determine the role of this variant in disease. Therefore, it has been classified as a Variant of Uncertain Significance.